The following is an entry in ClinVar:

NM_001079802.2(FKTN):c.1045-6C>G

Gene: FKTN (fukutin; plus strand). Cytogenetic location: 9q31.2.
Variant type: single nucleotide variant.
Coding change: c.1045-6C>G on transcript NM_001079802.2 (MANE Select); 6 bases into the intron before coding-DNA position 1045, C replaced by G.
Molecular consequence: intron variant.
Genome position (GRCh38, 1-based): chr9:105,619,928, C>G. VCF-style: chr9-105619928-C-G. GRCh37 (hg19) VCF-style: chr9-108382209-C-G.
Other names: c.1045-6C>G (NM_006731.2, NM_001351496.2, NM_001198963.2 and 1 more transcripts); c.649-6C>G (NM_001351502.2, NM_001351499.2, NM_001351500.2 and 1 more transcripts); c.976-6C>G (NM_001351497.2).
Identifiers: ClinVar variation 3596214 (VCV003596214.3).

ClinVar aggregate classification (germline): Pathogenic. Review status: criteria provided, multiple submitters, no conflicts (2 of 4 stars). 2 submissions from 2 submitters: Pathogenic (2). Last evaluated 2024-10-08.

Conditions:
Muscular dystrophy-dystroglycanopathy (congenital without impaired intellectual development), type B, 4. Also called: Muscular dystrophy-dystroglycanopathy (congenital without intellectual disability), type B4; MUSCULAR DYSTROPHY, CONGENITAL, FKTN-RELATED. Identifiers: MedGen C2751052, MONDO:0013156, OMIM 613152.
Autosomal recessive limb-girdle muscular dystrophy type 2M. Also called: MUSCULAR DYSTROPHY-DYSTROGLYCANOPATHY (LIMB-GIRDLE), TYPE C, 4; MUSCULAR DYSTROPHY, LIMB-GIRDLE, TYPE 2M. Identifiers: Orphanet 206554, MedGen C1969040, MONDO:0012699, OMIM 611588.
Dilated cardiomyopathy 1X (CMD1X). Also called: FKTN-Related Dilated Cardiomyopathy; CARDIOMYOPATHY, DILATED, WITH MILD OR NO PROXIMAL MUSCLE WEAKNESS. Identifiers: Orphanet 154, MedGen C1969024, MONDO:0012704, OMIM 611615.
Muscular dystrophy-dystroglycanopathy (congenital with brain and eye anomalies), type A, 4 (MDDGA4). Also called: Muscular dystrophy, congenital progressive, with mental retardation; Muscular dystrophy, congenital, with central nervous system involvement; Cerebromuscular dystrophy, Fukuyama type; Fukuyama congenital muscular dystrophy; Walker-Warburg Syndrome, Fktn-Related; Congenital muscular dystrophy-dystroglycanopathy with brain and eye anomalies, type A4. Identifiers: Orphanet 272, Orphanet 588, Orphanet 899, MedGen C0410174, MONDO:0009678, OMIM 253800.
Walker-Warburg congenital muscular dystrophy. Also called: Muscular dystrophy-dystroglycanopathy, type A; Walker-Warburg syndrome. Identifiers: Orphanet 899, MedGen C0265221, MONDO:0000171.

gnomAD v4.1: 3 of 1,609,440 alleles (0.00019%); highest among the groups gnomAD compares: Non-Finnish European, 0.00025%; no homozygotes.

Submissions (2):

Labcorp Genetics (formerly Invitae), Labcorp
Classification: Pathogenic for Walker-Warburg congenital muscular dystrophy. Last evaluated: 2024-10-08. Review status: criteria provided, single submitter. Criteria: Invitae Variant Classification Sherloc (09022015). Collection method: clinical testing. Allele origin: germline.
Comment: This sequence change falls in intron 9 of the FKTN gene. It does not directly change the encoded amino acid sequence of the FKTN protein. RNA analysis indicates that this variant induces altered splicing and may result in an absent or altered protein product. This variant is present in population databases (rs754270605, gnomAD 0.002%). This variant has been observed in individual(s) with clinical features of FKTN-related conditions (PMID: 24144914). In at least one individual the data is consistent with being in trans (on the opposite chromosome) from a pathogenic variant. Studies have shown that this variant results in activation of a cryptic splice site, and produces a non-functional protein and/or introduces a premature termination codon (PMID: 24144914). For these reasons, this variant has been classified as Pathogenic.

Fulgent Genetics
Classification: Pathogenic for Muscular dystrophy-dystroglycanopathy (congenital with brain and eye anomalies), type A, 4; Autosomal recessive limb-girdle muscular dystrophy type 2M; Dilated cardiomyopathy 1X; Muscular dystrophy-dystroglycanopathy (congenital without impaired intellectual development), type B, 4. Last evaluated: 2024-05-22. Review status: criteria provided, single submitter. Criteria: ACMG Guidelines, 2015. Collection method: clinical testing. Allele origin: germline.

Literature cited by the submitters: PubMed 24144914 (cited by Labcorp Genetics (formerly Invitae), Labcorp).